The following is an entry in ClinVar:

ClinVar aggregate classification (germline): Likely pathogenic (1 of 4 stars; one submission).

Conditions:
Epidermolysis bullosa simplex 7, with nephropathy and deafness. Also called: Nephropathy with Pretibial Epidermolysis Bullosa and Deafness; Nephrotic syndrome - deafness - pretibial epidermolysis bullosa syndrome. Identifiers: Orphanet 300333, MedGen C1836823, MONDO:0012190, OMIM 609057.

Submission:

Odermatt lab, University of Bonn
Classification: Likely pathogenic for Epidermolysis bullosa simplex 7, with nephropathy and deafness. Last evaluated: 2026-06-23. Review status: criteria provided, single submitter. Criteria: ACMG Guidelines, 2015. Collection method: provider interpretation. Allele origin: germline. Inheritance: Autosomal recessive inheritance. Affected: yes. Observed: 2 variant alleles, 2 homozygotes. Clinical features observed: Unilateral renal agenesis (HP:0000122), Proteinuria (HP:0000093), Abnormal blistering of the skin (HP:0008066), Nail dystrophy (HP:0008404).
Comment: The nonsense variant c.346C>T, p.(Gln116*) in CD151 is predicted to introduce a premature stop codon and result in nonsense-mediated mRNA decay. Loss of function is an established disease mechanism for CD151-related epidermolysis bullosa with nephropathy, and several truncating pathogenic variants have been reported (PMID: 15265795, 29138120, 34853893, 35278129). The variant is absent from gnomAD and has not been reported in ClinVar, LOVD, HGMD, or the literature. Segregation with the phenotype was observed within the family. Based on the available evidence, the variant is classified as likely pathogenic according to ACMG/AMP criteria (PVS1_strong, PM2_supporting, PM3_supporting, PP1_moderate).

Literature cited by the submitters: PubMed 40511599.

NM_004357.5(CD151):c.346C>T (p.Gln116Ter)

Gene: CD151 (CD151 molecule (Raph blood group); plus strand). Cytogenetic location: 11p15.5.
Variant type: single nucleotide variant.
Coding change: c.346C>T on transcript NM_004357.5 (MANE Select); coding-DNA position 346, C replaced by T.
Protein change: p.Gln116Ter; replaces glutamine 116 with a stop codon.
Molecular consequence: nonsense.
Genome position (GRCh38, 1-based): chr11:836,838, C>T. VCF-style: chr11-836838-C-T. GRCh37 (hg19) VCF-style: chr11-836838-C-T.
Other names: c.346C>T, p.Gln116Ter (NM_001039490.2, NM_139029.2, NM_139030.4); short protein forms Q116*.
Identifiers: ClinVar variation 4890853 (VCV004890853.1).